The following is an entry in ClinVar:

ClinVar aggregate classification (germline): Uncertain significance (1 of 4 stars; one submission).

Submission:

Labcorp Genetics (formerly Invitae), Labcorp
Classification: Uncertain significance. Last evaluated: 2025-03-30. Review status: criteria provided, single submitter. Criteria: Invitae Variant Classification Sherloc (09022015). Collection method: clinical testing. Allele origin: germline.
Comment: This sequence change replaces arginine, which is basic and polar, with cysteine, which is neutral and slightly polar, at codon 513 of the FLAD1 protein (p.Arg513Cys). This variant is present in population databases (rs761557375, gnomAD 0.02%). This variant has not been reported in the literature in individuals affected with FLAD1-related conditions. An algorithm developed to predict the effect of missense changes on protein structure and function (PolyPhen-2) suggests that this variant is likely to be disruptive. In summary, the available evidence is currently insufficient to determine the role of this variant in disease. Therefore, it has been classified as a Variant of Uncertain Significance.

NM_025207.5(FLAD1):c.1537C>T (p.Arg513Cys)

Gene: FLAD1 (flavin adenine dinucleotide synthetase 1; plus strand). Cytogenetic location: 1q21.3.
Variant type: single nucleotide variant.
Coding change: c.1537C>T on transcript NM_025207.5 (MANE Select); coding-DNA position 1537, C replaced by T.
Protein change: p.Arg513Cys; replaces arginine 513 with cysteine.
Molecular consequence: missense variant.
Genome position (GRCh38, 1-based): chr1:154,990,511, C>T. VCF-style: chr1-154990511-C-T. GRCh37 (hg19) VCF-style: chr1-154962987-C-T.
Other names: c.1246C>T, p.Arg416Cys (NM_001184891.2, NM_201398.3); short protein forms R416C, R513C.
Identifiers: ClinVar variation 3614498 (VCV003614498.2).